The following is an entry in ClinVar:

ClinVar aggregate classification (germline): Pathogenic/Likely pathogenic. Review status: criteria provided, multiple submitters, no conflicts (2 of 4 stars). 3 submissions from 3 submitters: Pathogenic (1); Likely pathogenic (1). 1 of the submissions does not count toward it. Last evaluated 2026-05-06.

Conditions:
PKHD1-related disorder. Also called: PKHD1-related condition.
Polycystic kidney disease 4 (PKD4). Also called: POLYCYSTIC KIDNEY AND HEPATIC DISEASE 1; POLYCYSTIC KIDNEY DISEASE, INFANTILE, TYPE I; PKD3; POLYCYSTIC KIDNEY DISEASE 4 WITH OR WITHOUT POLYCYSTIC LIVER DISEASE; Autosomal Recessive Polycystic Kidney Disease – PKHD1. Identifiers: MedGen C4540575, MONDO:0033004, OMIM 263200.

Submissions (3):

Myriad Genetics, Inc.
Classification: Pathogenic for Polycystic kidney disease 4. Last evaluated: 2026-05-06. Review status: criteria provided, single submitter. Criteria: Myriad Autosomal Dominant, Autosomal Recessive and X-Linked Classification Criteria (2023). Collection method: clinical testing. Allele origin: unknown.
Comment: NM_138694.3(PKHD1):c.538_542del5ins1(L180Qfs*14) is expected to be pathogenic in the context of autosomal recessive polycystic kidney disease, PKHD1-related. This variant is predicted to lead to an abnormal or absent protein product due to the creation of a premature termination codon in PKHD1, a gene where loss-of-function variants are known to be pathogenic. Please note: this variant was assessed in the context of healthy population screening.

Baylor Genetics
Classification: Likely pathogenic for Polycystic kidney disease 4. Last evaluated: 2022-03-16. Review status: criteria provided, single submitter. Criteria: ACMG Guidelines, 2015. Collection method: clinical testing. Allele origin: unknown.

PreventionGenetics, part of Exact Sciences
Classification: Likely pathogenic for PKHD1-related condition. Last evaluated: 2024-06-19. Review status: no assertion criteria provided. Collection method: clinical testing. Allele origin: germline. Not counted in ClinVar's aggregate classification.
Comment: The PKHD1 c.538_542delinsC variant is predicted to result in a frameshift and premature protein termination (p.Leu180Glnfs*14). To our knowledge, this variant has not been reported in the literature or a large population database, indicating this variant is rare. Frameshift variants in PKHD1 are expected to be pathogenic. This variant is interpreted as likely pathogenic.

NM_138694.4(PKHD1):c.538_542delinsC (p.Leu180fs)

Gene: PKHD1 (PKHD1 ciliary IPT domain containing fibrocystin/polyductin; minus strand). Cytogenetic location: 6p12.2.
Variant type: Indel.
Coding change: c.538_542delinsC on transcript NM_138694.4 (MANE Select); coding-DNA positions 538 to 542, TTGGA replaced by C.
Protein change: p.Leu180fs; shifts the reading frame from leucine 180.
Molecular consequence: frameshift variant.
Genome position (GRCh38, 1-based): chr6:52,072,175-52,072,179, TCCAA replaced by G on the plus strand (TTGGA replaced by C on the coding strand, the reverse complement: PKHD1 is on the minus strand). VCF-style: chr6-52072175-TCCAA-G. GRCh37 (hg19) VCF-style: chr6-51936973-TCCAA-G.
Other names: c.538_542delinsC (NM_138694.3); c.538_542delinsC, p.Leu180fs (NM_170724.3); short protein forms L180fs.
Identifiers: ClinVar variation 2677873 (VCV002677873.3), dbSNP rs2533607411, ClinGen allele CA2695198875.